The following is an entry in ClinVar:

NM_002691.4(POLD1):c.516C>G (p.Ile172Met)

Gene: POLD1 (DNA polymerase delta 1, catalytic subunit; plus strand). Cytogenetic location: 19q13.33.
Variant type: single nucleotide variant.
Coding change: c.516C>G on transcript NM_002691.4 (MANE Select); coding-DNA position 516, C replaced by G.
Protein change: p.Ile172Met; replaces isoleucine 172 with methionine.
Molecular consequence: missense variant. On other transcripts: non-coding transcript variant (1).
Genome position (GRCh38, 1-based): chr19:50,402,051, C>G. VCF-style: chr19-50402051-C-G. GRCh37 (hg19) VCF-style: chr19-50905308-C-G.
Other names: c.516C>G, p.Ile172Met (NM_001256849.1, NM_001308632.1); short protein forms I172M.
Identifiers: ClinVar variation 3781386 (VCV003781386.1).

ClinVar aggregate classification (germline): Uncertain significance (1 of 4 stars; one submission).

Conditions:
Hereditary cancer-predisposing syndrome. Also called: Neoplastic Syndromes, Hereditary; Hereditary Cancer Syndrome; Tumor predisposition; Hereditary neoplastic syndrome. Identifiers: Orphanet 140162, MedGen C0027672, MeSH D009386, MONDO:0015356.

Submission:

Ambry Genetics
Classification: Uncertain significance for Hereditary cancer-predisposing syndrome. Last evaluated: 2025-01-08. Review status: criteria provided, single submitter. Criteria: Ambry Variant Classification Scheme 2023. Collection method: clinical testing. Allele origin: germline.
Comment: The p.I172M variant (also known as c.516C>G), located in coding exon 4 of the POLD1 gene, results from a C to G substitution at nucleotide position 516. The isoleucine at codon 172 is replaced by methionine, an amino acid with highly similar properties. This amino acid position is conserved. In addition, this alteration is predicted to be tolerated by in silico analysis. Based on the available evidence, the clinical significance of this variant remains unclear.